The following is an entry in ClinVar:

NM_007078.3(LDB3):c.909G>C (p.Glu303Asp)

Gene: LDB3 (LIM domain binding 3; plus strand). Cytogenetic location: 10q23.2.
Variant type: single nucleotide variant.
Coding change: c.909G>C on transcript NM_007078.3 (MANE Select); coding-DNA position 909, G replaced by C.
Protein change: p.Glu303Asp; replaces glutamic acid 303 with aspartic acid.
Molecular consequence: missense variant. On other transcripts: intron variant (4).
Genome position (GRCh38, 1-based): chr10:86,706,543, G>C. VCF-style: chr10-86706543-G-C. GRCh37 (hg19) VCF-style: chr10-88466300-G-C.
Other names: c.768G>C, p.Glu256Asp (NM_001368066.1); c.897-3362G>C (NM_001368064.1, NM_001368065.1); c.1101-3362G>C (NM_001171610.2); c.756-3362G>C (NM_001080114.2); short protein forms E256D, E303D.
Identifiers: ClinVar variation 4720949 (VCV004720949.1).
Genomic context (GRCh38, chr10:86,706,543, plus strand): 5'-GTCTCTAGGCTCCCTTGACCTGTTGTCTTTTTGGTCCCGCCTCATCAGCACCCCTATTGA[G>C]CATGCGCCGGTGTGCACCAGCCAGGCCACCACCCCGCTGCTGCCCGCTTCTGCCCAGCCA-3'
Protein context (NP_009009.1, residues 293-313): EALRRSSTPI[Glu303Asp]HAPVCTSQAT

ClinVar aggregate classification (germline): Uncertain significance (1 of 4 stars; one submission).

Conditions:
Myofibrillar myopathy 4. Also called: Zaspopathy (type). Identifiers: Orphanet 98912, MedGen C4721886, MONDO:0012277, OMIM 609452.

Submission:

Labcorp Genetics (formerly Invitae), Labcorp
Classification: Uncertain significance for Myofibrillar myopathy 4. Last evaluated: 2025-03-18. Review status: criteria provided, single submitter. Criteria: Invitae Variant Classification Sherloc (09022015). Collection method: clinical testing. Allele origin: germline.
Comment: The LDB3 gene has multiple clinically relevant transcripts. This variant occurs in alternate transcript NM_007078.3, and corresponds to NM_001080116.1:c.*7169G>C in the primary transcript. This sequence change replaces glutamic acid, which is acidic and polar, with aspartic acid, which is acidic and polar, at codon 303 of the LDB3 protein (p.Glu303Asp). This variant is not present in population databases (gnomAD no frequency). This variant has not been reported in the literature in individuals affected with LDB3-related conditions. In summary, the available evidence is currently insufficient to determine the role of this variant in disease. Therefore, it has been classified as a Variant of Uncertain Significance.